The following is an entry in ClinVar:

ClinVar aggregate classification (germline): Uncertain significance (1 of 4 stars; one submission).

Submission:

GeneDx
Classification: Uncertain significance. Last evaluated: 2022-10-27. Review status: criteria provided, single submitter. Criteria: GeneDx Variant Classification Process June 2021. Collection method: clinical testing. Allele origin: germline. Affected: yes.
Comment: Not observed at significant frequency in large population cohorts (gnomAD); In silico analysis supports that this missense variant does not alter protein structure/function; Has not been previously published as pathogenic or benign to our knowledge; This variant is associated with the following publications: (PMID: 25486365, 2121369)

NM_001042492.3(NF1):c.3264A>C (p.Glu1088Asp)

Gene: NF1 (neurofibromin 1; plus strand). Cytogenetic location: 17q11.2.
Variant type: single nucleotide variant.
Coding change: c.3264A>C on transcript NM_001042492.3 (MANE Select); coding-DNA position 3264, A replaced by C.
Protein change: p.Glu1088Asp; replaces glutamic acid 1088 with aspartic acid.
Molecular consequence: missense variant.
Genome position (GRCh38, 1-based): chr17:31,232,139, A>C. VCF-style: chr17-31232139-A-C. GRCh37 (hg19) VCF-style: chr17-29559157-A-C.
Other names: c.3264A>C, p.Glu1088Asp (NM_000267.4); short protein forms E1088D.
Identifiers: ClinVar variation 2500523 (VCV002500523.1), dbSNP rs2508224436, ClinGen allele CA398988827.